The following is an entry in ClinVar:

NM_005428.4(VAV1):c.958T>C (p.Phe320Leu)

Gene: VAV1 (vav guanine nucleotide exchange factor 1; plus strand). Cytogenetic location: 19p13.3.
Variant type: single nucleotide variant.
Coding change: c.958T>C on transcript NM_005428.4 (MANE Select); coding-DNA position 958, T replaced by C.
Protein change: p.Phe320Leu; replaces phenylalanine 320 with leucine.
Molecular consequence: missense variant.
Genome position (GRCh38, 1-based): chr19:6,828,106, T>C. VCF-style: chr19-6828106-T-C. GRCh37 (hg19) VCF-style: chr19-6828117-T-C.
Other names: c.958T>C, p.Phe320Leu (NM_001258206.2); c.862T>C, p.Phe288Leu (NM_001258207.2); short protein forms F288L, F320L.
Identifiers: ClinVar variation 4779395 (VCV004779395.1).

ClinVar aggregate classification (germline): Uncertain significance (1 of 4 stars; one submission).

gnomAD v4.1: 2 of 1,614,106 alleles (0.00012%); highest among the groups gnomAD compares: Non-Finnish European, 0.000085%; no homozygotes.

Submission:

Labcorp Genetics (formerly Invitae), Labcorp
Classification: Uncertain significance. Last evaluated: 2025-04-02. Review status: criteria provided, single submitter. Criteria: Invitae Variant Classification Sherloc (09022015). Collection method: clinical testing. Allele origin: germline.
Comment: This sequence change replaces phenylalanine, which is neutral and non-polar, with leucine, which is neutral and non-polar, at codon 320 of the VAV1 protein (p.Phe320Leu). This variant is present in population databases (rs141278487, gnomAD no frequency). This variant has not been reported in the literature in individuals affected with VAV1-related conditions. An algorithm developed to predict the effect of missense changes on protein structure and function (PolyPhen-2) suggests that this variant is likely to be disruptive. In summary, the available evidence is currently insufficient to determine the role of this variant in disease. Therefore, it has been classified as a Variant of Uncertain Significance.